The following is an entry in ClinVar:

NM_206933.4(USH2A):c.10380_10381del (p.Tyr3461fs)

Gene: USH2A (usherin; minus strand). Cytogenetic location: 1q41.
Variant type: Deletion.
Coding change: c.10380_10381del on transcript NM_206933.4 (MANE Select); coding-DNA positions 10380 to 10381, 2 bases deleted (TT; older notation c.10380_10381delTT).
Protein change: p.Tyr3461fs; shifts the reading frame from tyrosine 3461.
Molecular consequence: frameshift variant.
Genome position (GRCh38, 1-based): chr1:215,786,676-215,786,677, AA deleted on the plus strand (TT on the coding strand, the reverse complement: USH2A is on the minus strand). VCF-style (leftmost placement, unchanged base first): chr1-215786675-TAA-T. GRCh37 (hg19) VCF-style: chr1-215960017-TAA-T.
Other names: short protein forms Y3461fs.
Identifiers: ClinVar variation 1074739 (VCV001074739.7), dbSNP rs2102766786, ClinGen allele CA2499214482.

ClinVar aggregate classification (germline): Pathogenic (1 of 4 stars; one submission).

Submission:

Labcorp Genetics (formerly Invitae), Labcorp
Classification: Pathogenic. Last evaluated: 2020-06-30. Review status: criteria provided, single submitter. Criteria: Invitae Variant Classification Sherloc (09022015). Collection method: clinical testing. Allele origin: germline.
Comment: This variant has not been reported in the literature in individuals with USH2A-related conditions. For these reasons, this variant has been classified as Pathogenic. Loss-of-function variants in USH2A are known to be pathogenic (PMID: 10729113, 10909849, 20507924, 25649381). This variant is not present in population databases (ExAC no frequency). This sequence change creates a premature translational stop signal (p.Tyr3461Hisfs*12) in the USH2A gene. It is expected to result in an absent or disrupted protein product.

Literature cited by the submitters: PubMed 10729113; PubMed 10909849; PubMed 20507924; PubMed 25649381.